The following is an entry in ClinVar:

ClinVar aggregate classification (germline): Uncertain significance. Review status: criteria provided, multiple submitters, no conflicts (2 of 4 stars). 2 submissions from 2 submitters: Uncertain significance (2). Last evaluated 2025-05-29.

Conditions:
Bardet-Biedl syndrome 2 (BBS2). Identifiers: Orphanet 110, MedGen C2936863, MONDO:0014432, OMIM 615981.
Retinitis pigmentosa 74 (RP74). Identifiers: Orphanet 791, MedGen C4225281, MONDO:0014692, OMIM 616562.
BBS2-related disorder. Also called: BBS2-related disorders; BBS2-related condition. Identifiers: MedGen CN239228.

gnomAD v4.1: 3 of 1,614,178 alleles (0.00019%); highest among the groups gnomAD compares: Admixed American, 0.0033%; no homozygotes.

Submissions (2):

PreventionGenetics, part of Exact Sciences
Classification: Uncertain significance for BBS2-related condition. Last evaluated: 2025-05-29. Review status: criteria provided, single submitter. Criteria: ACMG Guidelines, 2015. Collection method: clinical testing. Allele origin: germline.
Comment: The BBS2 c.307T>C variant is predicted to result in the amino acid substitution p.Tyr103His. To our knowledge, this variant has not been reported in the literature. This variant is reported in 0.0058% of alleles in individuals of Latino descent in gnomAD. At this time, the clinical significance of this variant is uncertain due to the absence of conclusive functional and genetic evidence.

Fulgent Genetics
Classification: Uncertain significance for Bardet-Biedl syndrome 2; Retinitis pigmentosa 74. Last evaluated: 2024-04-23. Review status: criteria provided, single submitter. Criteria: ACMG Guidelines, 2015. Collection method: clinical testing. Allele origin: germline.

NM_031885.5(BBS2):c.307T>C (p.Tyr103His)

Gene: BBS2 (Bardet-Biedl syndrome 2; minus strand). Cytogenetic location: 16q13.
Variant type: single nucleotide variant.
Coding change: c.307T>C on transcript NM_031885.5 (MANE Select); coding-DNA position 307, T replaced by C.
Protein change: p.Tyr103His; replaces tyrosine 103 with histidine.
Molecular consequence: missense variant. On other transcripts: non-coding transcript variant (5).
Genome position (GRCh38, 1-based): chr16:56,514,491, A>G on the plus strand (T>C on the coding strand, the complement: BBS2 is on the minus strand). VCF-style: chr16-56514491-A-G. GRCh37 (hg19) VCF-style: chr16-56548403-A-G.
Other names: c.307T>C, p.Tyr103His (NM_001377456.1); c.307T>C (NM_031885.3); short protein forms Y103H.
Identifiers: ClinVar variation 3580931 (VCV003580931.2).